The following is an entry in ClinVar:

ClinVar aggregate classification (germline): Likely benign. Review status: criteria provided, multiple submitters, no conflicts (2 of 4 stars). 2 submissions from 2 submitters: Likely benign (2). Last evaluated 2025-12-01.

gnomAD v4.1: 7 of 1,612,500 alleles (0.00043%); highest among the groups gnomAD compares: Non-Finnish European, 0.00059%; no homozygotes.

Submissions (2):

CeGaT Center for Human Genetics Tuebingen
Classification: Likely benign. Last evaluated: 2025-12-01. Review status: criteria provided, single submitter. Criteria: CeGaT Center For Human Genetics Tuebingen Variant Classification Criteria Version 2. Collection method: clinical testing. Allele origin: germline. Affected: yes. Observed: 1 variant allele.
Comment: TCF12: BP4, BP7

Blueprint Genetics
Classification: Likely benign. Last evaluated: 2023-10-24. Review status: criteria provided, single submitter. Criteria: ACMG Guidelines, 2015. Collection method: clinical testing. Allele origin: germline.

NM_207037.2(TCF12):c.378A>G (p.Leu126=)

Gene: TCF12 (transcription factor 12; plus strand). Cytogenetic location: 15q21.3.
Variant type: single nucleotide variant.
Coding change: c.378A>G on transcript NM_207037.2 (MANE Select); coding-DNA position 378, A replaced by G.
Protein change: p.Leu126=; no amino-acid change (leucine 126 retained).
Molecular consequence: synonymous variant. On other transcripts: 5 prime UTR variant (1).
Genome position (GRCh38, 1-based): chr15:57,166,454, A>G. VCF-style: chr15-57166454-A-G. GRCh37 (hg19) VCF-style: chr15-57458652-A-G.
Other names: c.378A>G, p.Leu126= (NM_001322151.2, NM_001322152.2, NM_001322157.3 and 7 more transcripts); c.-275A>G (NM_001322154.2); c.204A>G, p.Leu68= (NM_001322156.2, NM_001322158.2); c.414A>G, p.Leu138= (NM_001322164.2).
Identifiers: ClinVar variation 4682035 (VCV004682035.6).